The following is an entry in ClinVar:

NM_016507.4(CDK12):c.921G>C (p.Arg307Ser)

Genes: CDK12 (cyclin dependent kinase 12; plus strand), LOC126862553 (CDK7 strongly-dependent group 2 enhancer GRCh37_chr17:37618166-37619365; plus strand). Cytogenetic location: 17q12.
Variant type: single nucleotide variant.
Coding change: c.921G>C on transcript NM_016507.4 (MANE Select); coding-DNA position 921, G replaced by C.
Protein change: p.Arg307Ser; replaces arginine 307 with serine.
Molecular consequence: missense variant.
Genome position (GRCh38, 1-based): chr17:39,462,992, G>C. VCF-style: chr17-39462992-G-C. GRCh37 (hg19) VCF-style: chr17-37619245-G-C.
Other names: c.921G>C, p.Arg307Ser (NM_015083.4); short protein forms R307S.
Identifiers: ClinVar variation 3830558 (VCV003830558.1).
Genomic context (GRCh38, chr17:39,462,992, plus strand): 5'-CAGCACCCGGTCACCGAGCCCCTACAGTAGGCGACAGAGATCTGTCAGTCCCTATAGCAG[G>C]AGACGGTCGTCCAGCTACGAAAGAAGTGGCTCTTACAGCGGGCGATCGCCCAGTCCCTAT-3'
Protein context (NP_057591.2, residues 297-317): RRQRSVSPYS[Arg307Ser]RRSSSYERSG

ClinVar aggregate classification (germline): Uncertain significance (1 of 4 stars; one submission).

Submission:

Ambry Genetics
Classification: Uncertain significance. Last evaluated: 2025-01-24. Review status: criteria provided, single submitter. Criteria: Ambry Variant Classification Scheme 2023. Collection method: clinical testing. Allele origin: germline.
Comment: The p.R307S variant (also known as c.921G>C), located in coding exon 1 of the CDK12 gene, results from a G to C substitution at nucleotide position 921. The arginine at codon 307 is replaced by serine, an amino acid with dissimilar properties. This amino acid position is conserved. In addition, this alteration is predicted to be tolerated by in silico analysis. Based on the available evidence, the clinical significance of this variant remains unclear.